The following is an entry in ClinVar:

ClinVar aggregate classification (germline): Uncertain significance (1 of 4 stars; one submission).

Conditions:
Hereditary cancer-predisposing syndrome. Also called: Hereditary neoplastic syndrome; Tumor predisposition; Neoplastic Syndromes, Hereditary; Hereditary Cancer Syndrome. Identifiers: Orphanet 140162, MedGen C0027672, MeSH D009386, MONDO:0015356.

Submission:

Labcorp Genetics (formerly Invitae), Labcorp
Classification: Uncertain significance for Hereditary cancer-predisposing syndrome. Last evaluated: 2025-12-10. Review status: criteria provided, single submitter. Criteria: Invitae Variant Classification Sherloc (09022015). Collection method: clinical testing. Allele origin: germline.
Comment: This sequence change replaces lysine, which is basic and polar, with glutamic acid, which is acidic and polar, at codon 596 of the RAD50 protein (p.Lys596Glu). This variant is not present in population databases (gnomAD no frequency). This variant has not been reported in the literature in individuals affected with RAD50-related conditions. Invitae Evidence Modeling of protein sequence and biophysical properties (such as structural, functional, and spatial information, amino acid conservation, physicochemical variation, residue mobility, and thermodynamic stability) indicates that this missense variant is not expected to disrupt RAD50 protein function with a negative predictive value of 80%. In summary, the available evidence is currently insufficient to determine the role of this variant in disease. Therefore, it has been classified as a Variant of Uncertain Significance.

NM_005732.4(RAD50):c.1786A>G (p.Lys596Glu)

Gene: RAD50 (RAD50 double strand break repair protein; plus strand). Cytogenetic location: 5q31.1.
Variant type: single nucleotide variant.
Coding change: c.1786A>G on transcript NM_005732.4 (MANE Select); coding-DNA position 1786, A replaced by G.
Protein change: p.Lys596Glu; replaces lysine 596 with glutamic acid.
Molecular consequence: missense variant.
Genome position (GRCh38, 1-based): chr5:132,592,027, A>G. VCF-style: chr5-132592027-A-G. GRCh37 (hg19) VCF-style: chr5-131927719-A-G.
Other names: short protein forms K596E.
Identifiers: ClinVar variation 4742750 (VCV004742750.1).